The following is an entry in ClinVar:

ClinVar aggregate classification (germline): Uncertain significance (1 of 4 stars; one submission).

Conditions:
Inborn genetic diseases. Identifiers: MedGen C0950123, MeSH D030342.

Submission:

Ambry Genetics
Classification: Uncertain significance for Inborn genetic diseases. Last evaluated: 2022-06-22. Review status: criteria provided, single submitter. Criteria: Ambry Variant Classification Scheme 2023. Collection method: clinical testing. Allele origin: germline.
Comment: The p.S523P variant (also known as c.1567T>C), located in coding exon 10 of the LTBP3 gene, results from a T to C substitution at nucleotide position 1567. The serine at codon 523 is replaced by proline, an amino acid with similar properties. This amino acid position is conserved. In addition, this alteration is predicted to be tolerated by in silico analysis. Since supporting evidence is limited at this time, the clinical significance of this alteration remains unclear.

NM_001130144.3(LTBP3):c.1567T>C (p.Ser523Pro)

Gene: LTBP3 (latent transforming growth factor beta binding protein 3; minus strand). Cytogenetic location: 11q13.1.
Variant type: single nucleotide variant.
Coding change: c.1567T>C on transcript NM_001130144.3 (MANE Select); coding-DNA position 1567, T replaced by C.
Protein change: p.Ser523Pro; replaces serine 523 with proline.
Molecular consequence: missense variant.
Genome position (GRCh38, 1-based): chr11:65,551,456, A>G on the plus strand (T>C on the coding strand, the complement: LTBP3 is on the minus strand). VCF-style: chr11-65551456-A-G. GRCh37 (hg19) VCF-style: chr11-65318927-A-G.
Other names: c.1216T>C, p.Ser406Pro (NM_001164266.1); c.1567T>C, p.Ser523Pro (NM_021070.4); short protein forms S523P, S406P.
Identifiers: ClinVar variation 1775407 (VCV001775407.2), dbSNP rs2496166685, ClinGen allele CA381272940.
Genomic context (GRCh38, chr11:65,551,456, plus strand): 5'-GCTCACCGGGGTAGGGCCGGGCAGGAGTCGTGGTGGCAGTTGGGTGGCTCTGCTGCACTG[A>G]CCTCTCCTCACTCACCGGCTGCGGGTGACAGCAGCATGAGCCCTCCTGTCCCTCGCCTGC-3'
Protein context (NP_001123616.1, residues 513-533): TTDSPVSEER[Ser523Pro]VQQSHPTATT